The following is an entry in ClinVar:

NM_001164508.2(NEB):c.9428C>G (p.Ser3143Ter)

Gene: NEB (nebulin; minus strand). Cytogenetic location: 2q23.3.
Variant type: single nucleotide variant.
Coding change: c.9428C>G on transcript NM_001164508.2 (MANE Select); coding-DNA position 9428, C replaced by G.
Protein change: p.Ser3143Ter; replaces serine 3143 with a stop codon.
Molecular consequence: nonsense. On other transcripts: intron variant (1).
Genome position (GRCh38, 1-based): chr2:151,631,333, G>C on the plus strand (C>G on the coding strand, the complement: NEB is on the minus strand). VCF-style: chr2-151631333-G-C. GRCh37 (hg19) VCF-style: chr2-152487847-G-C.
Other names: c.9428C>G, p.Ser3143Ter (NM_001164507.2, NM_001271208.2); c.8854-155C>G (NM_004543.5); short protein forms S3143*.
Identifiers: ClinVar variation 551907 (VCV000551907.9), dbSNP rs1553939806, ClinGen allele CA348801448.

ClinVar aggregate classification (germline): Pathogenic. Review status: criteria provided, single submitter (1 of 4 stars). 2 submissions from 2 submitters: Pathogenic (1). 1 of the submissions does not count toward it. Last evaluated 2023-12-06.

Conditions:
Nemaline myopathy 2 (NEM2). Also called: Nemaline myopathy 2, autosomal recessive. Identifiers: MedGen C1850569, MONDO:0009725, OMIM 256030.

Submissions (2):

Labcorp Genetics (formerly Invitae), Labcorp
Classification: Pathogenic for Nemaline myopathy 2. Last evaluated: 2023-12-06. Review status: criteria provided, single submitter. Criteria: Invitae Variant Classification Sherloc (09022015). Collection method: clinical testing. Allele origin: germline.
Comment: This sequence change creates a premature translational stop signal (p.Ser3143*) in the NEB gene. It is expected to result in an absent or disrupted protein product. Loss-of-function variants in NEB are known to be pathogenic (PMID: 25205138). This variant is not present in population databases (gnomAD no frequency). This variant has not been reported in the literature in individuals affected with NEB-related conditions. ClinVar contains an entry for this variant (Variation ID: 551907). For these reasons, this variant has been classified as Pathogenic.

Counsyl
Classification: Likely pathogenic for Nemaline myopathy 2. Last evaluated: 2017-05-19. Review status: no assertion criteria provided. Collection method: clinical testing. Allele origin: unknown. Not counted in ClinVar's aggregate classification.

Literature cited by the submitters: PubMed 25205138 (cited by Labcorp Genetics (formerly Invitae), Labcorp).